The following is an entry in ClinVar:

ClinVar aggregate classification (germline): Likely pathogenic (1 of 4 stars; one submission).

Submission:

Labcorp Genetics (formerly Invitae), Labcorp
Classification: Likely pathogenic. Last evaluated: 2022-02-23. Review status: criteria provided, single submitter. Criteria: Invitae Variant Classification Sherloc (09022015). Collection method: clinical testing. Allele origin: germline.
Comment: In summary, the currently available evidence indicates that the variant is pathogenic, but additional data are needed to prove that conclusively. Therefore, this variant has been classified as Likely Pathogenic. This premature translational stop signal has been observed in individual(s) with craniosynostosis (Invitae). In at least one individual the variant was observed to be de novo. This variant is not present in population databases (gnomAD no frequency). This sequence change creates a premature translational stop signal (p.Gln392*) in the ZIC1 gene. While this is not anticipated to result in nonsense mediated decay, it is expected to disrupt the last 56 amino acid(s) of the ZIC1 protein.

NM_003412.4(ZIC1):c.1174C>T (p.Gln392Ter)

Gene: ZIC1 (Zic family zinc finger 1; plus strand). Cytogenetic location: 3q24.
Variant type: single nucleotide variant.
Coding change: c.1174C>T on transcript NM_003412.4 (MANE Select); coding-DNA position 1174, C replaced by T.
Protein change: p.Gln392Ter; replaces glutamine 392 with a stop codon.
Molecular consequence: nonsense.
Genome position (GRCh38, 1-based): chr3:147,413,381, C>T. VCF-style: chr3-147413381-C-T. GRCh37 (hg19) VCF-style: chr3-147131168-C-T.
Other names: short protein forms Q392*.
Identifiers: ClinVar variation 2067436 (VCV002067436.4), dbSNP rs2473127082, ClinGen allele CA354898416.